The following is an entry in ClinVar:

NM_001130987.2(DYSF):c.3997G>T (p.Glu1333Ter)

Gene: DYSF (dysferlin; plus strand). Cytogenetic location: 2p13.2.
Variant type: single nucleotide variant.
Coding change: c.3997G>T on transcript NM_001130987.2 (MANE Select); coding-DNA position 3997, G replaced by T.
Protein change: p.Glu1333Ter; replaces glutamic acid 1333 with a stop codon.
Molecular consequence: nonsense.
Genome position (GRCh38, 1-based): chr2:71,611,284, G>T. VCF-style: chr2-71611284-G-T. GRCh37 (hg19) VCF-style: chr2-71838414-G-T.
Other names: c.3946G>T, p.Glu1316Ter (NM_001130455.2, NM_001130983.2); c.3901G>T, p.Glu1301Ter (NM_001130976.2, NM_001130977.2); c.3943G>T, p.Glu1315Ter (NM_001130978.2, NM_003494.4); c.4036G>T, p.Glu1346Ter (NM_001130979.2); c.3994G>T, p.Glu1332Ter (NM_001130980.2, NM_001130981.2); c.4039G>T, p.Glu1347Ter (NM_001130982.2); c.3904G>T, p.Glu1302Ter (NM_001130984.2, NM_001130986.2); c.3997G>T, p.Glu1333Ter (NM_001130985.2); short protein forms E1301*, E1315*, E1333*, E1347*, E1302*, E1332*, E1316*, E1346*.
Identifiers: ClinVar variation 4728918 (VCV004728918.1).
Genomic context (GRCh38, chr2:71,611,284, plus strand): 5'-TCTACCTGCTGTCCACTGCAGTCTGAGGACACAGACCTGCCCTACCCACCACCCCAGAGG[G>T]AGGCCAACATCTACATGGTTCCTCAGAACATCAAGCCAGCGCTCCAGCGTACCGCCATCG-3'

ClinVar aggregate classification (germline): Pathogenic (1 of 4 stars; one submission).

Conditions:
Neuromuscular disease caused by qualitative or quantitative defects of dysferlin. Also called: Qualitative or quantitative defects of dysferlin; Dysferlinopathy. Identifiers: Orphanet 207073, MedGen C2931687, MONDO:0016145.

gnomAD v4.1: 1 of 1,614,014 alleles (0.000062%); highest among the groups gnomAD compares: Non-Finnish European, 0.000085%; no homozygotes.

Submission:

Labcorp Genetics (formerly Invitae), Labcorp
Classification: Pathogenic for Neuromuscular disease caused by qualitative or quantitative defects of dysferlin. Last evaluated: 2026-01-31. Review status: criteria provided, single submitter. Criteria: Invitae Variant Classification Sherloc (09022015). Collection method: clinical testing. Allele origin: germline.
Comment: This sequence change creates a premature translational stop signal (p.Glu1315*) in the DYSF gene. It is expected to result in an absent or disrupted protein product. Loss-of-function variants in DYSF are known to be pathogenic (PMID: 17698709, 20301480). This variant is not present in population databases (gnomAD no frequency). This variant has not been reported in the literature in individuals affected with DYSF-related conditions. For these reasons, this variant has been classified as Pathogenic.

Literature cited by the submitters: PubMed 17698709; PubMed 20301480.